The following is an entry in ClinVar:

ClinVar aggregate classification (germline): Uncertain significance (1 of 4 stars; one submission).

Submission:

Labcorp Genetics (formerly Invitae), Labcorp
Classification: Uncertain significance. Last evaluated: 2025-05-27. Review status: criteria provided, single submitter. Criteria: Invitae Variant Classification Sherloc (09022015). Collection method: clinical testing. Allele origin: germline.
Comment: This sequence change replaces proline, which is neutral and non-polar, with leucine, which is neutral and non-polar, at codon 36 of the KMT2A protein (p.Pro36Leu). The frequency data for this variant in the population databases is considered unreliable, as metrics indicate insufficient coverage at this position in the gnomAD database. This variant has not been reported in the literature in individuals affected with KMT2A-related conditions. ClinVar contains an entry for this variant (Variation ID: 3625526). Experimental studies and prediction algorithms are not available or were not evaluated, and the functional significance of this variant is currently unknown. In summary, the available evidence is currently insufficient to determine the role of this variant in disease. Therefore, it has been classified as a Variant of Uncertain Significance.

NM_001197104.2(KMT2A):c.106_107delinsTT (p.Pro36Leu)

Gene: KMT2A (lysine methyltransferase 2A; plus strand). Cytogenetic location: 11q23.3.
Variant type: Indel.
Coding change: c.106_107delinsTT on transcript NM_001197104.2 (MANE Select); coding-DNA positions 106 to 107, CC replaced by TT.
Protein change: p.Pro36Leu; replaces proline 36 with leucine.
Molecular consequence: missense variant.
Genome position (GRCh38, 1-based): chr11:118,436,618-118,436,619, CC replaced by TT. VCF-style: chr11-118436618-CC-TT. GRCh37 (hg19) VCF-style: chr11-118307333-CC-TT.
Other names: c.106_107delinsTT, p.Pro36Leu (NM_001412597.1, NM_005933.4); short protein forms P36L.
Identifiers: ClinVar variation 3625526 (VCV003625526.2).